The following is an entry in ClinVar:

ClinVar aggregate classification (germline): Likely benign. Review status: criteria provided, multiple submitters, no conflicts (2 of 4 stars). 2 submissions from 2 submitters: Likely benign (2). Last evaluated 2024-01-31.

Conditions:
Microcephaly, normal intelligence and immunodeficiency (NBS). Also called: Nijmegen breakage syndrome; Microcephaly with normal intelligence immunodeficiency and lymphoreticular malignancies; Nonsyndromal microcephaly autosomal recessive with normal intelligence; Seemanova syndrome 2; Immunodeficiency, microcephaly with normal intelligence; SEEMANOVA SYNDROME II. Identifiers: Orphanet 647, MedGen C0398791, MONDO:0009623, OMIM 251260.

gnomAD v4.1: 1 of 1,594,794 alleles (0.000063%); highest among the groups gnomAD compares: Non-Finnish European, 0.000086%; no homozygotes.

Submissions (2):

Labcorp Genetics (formerly Invitae), Labcorp
Classification: Likely benign for Microcephaly, normal intelligence and immunodeficiency. Last evaluated: 2024-01-31. Review status: criteria provided, single submitter. Criteria: Invitae Variant Classification Sherloc (09022015). Collection method: clinical testing. Allele origin: germline.

GeneDx
Classification: Likely benign. Last evaluated: 2017-02-08. Review status: criteria provided, single submitter. Criteria: GeneDx Variant Classification (06012015). Collection method: clinical testing. Allele origin: germline. Affected: yes.
Comment: This variant is considered likely benign or benign based on one or more of the following criteria: it is a conservative change, it occurs at a poorly conserved position in the protein, it is predicted to be benign by multiple in silico algorithms, and/or has population frequency not consistent with disease.

NM_002485.5(NBN):c.584+9T>A

Gene: NBN (nibrin; minus strand). Cytogenetic location: 8q21.3.
Variant type: single nucleotide variant.
Coding change: c.584+9T>A on transcript NM_002485.5 (MANE Select); 9 bases into the intron after coding-DNA position 584, T replaced by A.
Molecular consequence: intron variant.
Genome position (GRCh38, 1-based): chr8:89,978,211, A>T on the plus strand (T>A on the coding strand, the complement: NBN is on the minus strand). VCF-style: chr8-89978211-A-T. GRCh37 (hg19) VCF-style: chr8-90990439-A-T.
Other names: c.338+9T>A (NM_001024688.3).
Identifiers: ClinVar variation 517726 (VCV000517726.9), dbSNP rs746913991, ClinGen allele CA658797118.
Genomic context (GRCh38, chr8:89,978,211, plus strand): 5'-ATTAACTTAAATAAAAATCAATGCTATCATATAAGTGACATCTTGTTATATTTAAAATAC[A>T]TAATATACCTTTCAATTTGTGGAGGCTGCTTCTTGGACTCAACTGCTTTCAGGAATTCAG-3'